The following is an entry in ClinVar:

ClinVar aggregate classification (germline): Uncertain significance (1 of 4 stars; one submission).

Conditions:
Psoriasis 2. Identifiers: MedGen C1864497, MONDO:0011269, OMIM 602723.
Pityriasis rubra pilaris (PRP). Also called: Pityriasis rubra pilaris--familial type. Identifiers: Orphanet 2897, MedGen C0032027, MONDO:0100017, OMIM 173200, MONDO:0008251.

Allele frequency attached by ClinVar (database versions not stated): gnomAD exomes below 0.00001.
gnomAD v4.1: 2 of 1,603,830 alleles (0.00012%); highest among the groups gnomAD compares: Non-Finnish European, 0.000085%; no homozygotes.

Submission:

Labcorp Genetics (formerly Invitae), Labcorp
Classification: Uncertain significance for Pityriasis rubra pilaris; Psoriasis 2. Last evaluated: 2023-01-03. Review status: criteria provided, single submitter. Criteria: Invitae Variant Classification Sherloc (09022015). Collection method: clinical testing. Allele origin: germline.
Comment: This variant is not present in population databases (gnomAD no frequency). This sequence change replaces alanine, which is neutral and non-polar, with threonine, which is neutral and polar, at codon 807 of the CARD14 protein (p.Ala807Thr). This variant has not been reported in the literature in individuals affected with CARD14-related conditions. In summary, the available evidence is currently insufficient to determine the role of this variant in disease. Therefore, it has been classified as a Variant of Uncertain Significance. Advanced modeling of protein sequence and biophysical properties (such as structural, functional, and spatial information, amino acid conservation, physicochemical variation, residue mobility, and thermodynamic stability) performed at Invitae indicates that this missense variant is not expected to disrupt CARD14 protein function. ClinVar contains an entry for this variant (Variation ID: 1047098).

NM_001366385.1(CARD14):c.2419G>A (p.Ala807Thr)

Genes: SGSH (N-sulfoglucosamine sulfohydrolase; minus strand), CARD14 (caspase recruitment domain family member 14; plus strand), LOC126862662 (MED14-independent group 3 enhancer GRCh37_chr17:78178385-78179584; plus strand). Cytogenetic location: 17q25.3.
Variant type: single nucleotide variant.
Coding change: c.2419G>A on transcript NM_001366385.1 (MANE Select); coding-DNA position 2419, G replaced by A.
Protein change: p.Ala807Thr; replaces alanine 807 with threonine.
Molecular consequence: missense variant. On other transcripts: non-coding transcript variant (1).
Genome position (GRCh38, 1-based): chr17:80,205,055, G>A. VCF-style: chr17-80205055-G-A. GRCh37 (hg19) VCF-style: chr17-78178854-G-A.
Other names: c.2419G>A, p.Ala807Thr (NM_024110.4); short protein forms A807T.
Identifiers: ClinVar variation 1047098 (VCV001047098.8), dbSNP rs2041211424, ClinGen allele CA401355849.